The following is an entry in ClinVar:

ClinVar aggregate classification (germline): Likely benign. Review status: reviewed by expert panel (3 of 4 stars). 8 submissions from 8 submitters: Likely benign (1). 7 of the submissions do not count toward it. Last evaluated 2017-06-29.

Conditions:
Hereditary cancer-predisposing syndrome. Also called: Tumor predisposition; Hereditary Cancer Syndrome; Neoplastic Syndromes, Hereditary; Hereditary neoplastic syndrome. Identifiers: Orphanet 140162, MedGen C0027672, MeSH D009386, MONDO:0015356.
Breast-ovarian cancer, familial, susceptibility to, 1 (BROVCA1). Also called: BRCA1 Hereditary Breast and Ovarian Cancer; OVARIAN CANCER, SUSCEPTIBILITY TO. Identifiers: Orphanet 145, MedGen C2676676, MONDO:0011450, OMIM 604370. Disease mechanism: loss of function.
Hereditary breast ovarian cancer syndrome. Also called: Breast and ovarian cancer; Hereditary breast and ovarian cancer; Hereditary breast and ovarian cancer syndrome; Hereditary breast and/or ovarian cancer syndrome; BRCA1- and BRCA2-Associated Hereditary Breast and Ovarian Cancer; Hereditary breast and ovarian cancer syndrome (HBOC). Identifiers: Orphanet 145, MedGen C0677776, MeSH D061325, MONDO:0003582. Disease mechanism: loss of function.

Allele frequency attached by ClinVar (database versions not stated): gnomAD exomes below 0.00001 and 0.00002; TOPMed below 0.00001; ExAC 0.00001; gnomAD 0.00001.
gnomAD v4.1: 5 of 1,613,958 alleles (0.00031%); highest among the groups gnomAD compares: East Asian, 0.0089%; no homozygotes.

Submissions (8):

Evidence-based Network for the Interpretation of Germline Mutant Alleles (ENIGMA)
Classification: Likely benign for Breast-ovarian cancer, familial, susceptibility to, 1. Last evaluated: 2017-06-29. Review status: reviewed by expert panel. Criteria: ENIGMA BRCA1/2 Classification Criteria (2017-06-29). Collection method: curation. Allele origin: germline.
Comment: Synonymous substitution variant, with low bioinformatic likelihood to result in a splicing aberration (Splicing prior probability 0.02).

Women's Health and Genetics/Laboratory Corporation of America, LabCorp
Classification: Likely benign. Last evaluated: 2026-06-29. Review status: criteria provided, single submitter. Criteria: LabCorp Variant Classification Summary - May 2015. Collection method: clinical testing. Allele origin: germline. Not counted in ClinVar's aggregate classification.

Labcorp Genetics (formerly Invitae), Labcorp
Classification: Likely benign for Hereditary breast ovarian cancer syndrome. Last evaluated: 2025-12-08. Review status: criteria provided, single submitter. Criteria: Invitae Variant Classification Sherloc (09022015). Collection method: clinical testing. Allele origin: germline. Not counted in ClinVar's aggregate classification.

Blueprint Genetics
Classification: Likely benign. Last evaluated: 2024-01-29. Review status: criteria provided, single submitter. Criteria: ACMG Guidelines, 2015. Collection method: clinical testing. Allele origin: germline. Not counted in ClinVar's aggregate classification.

GeneDx
Classification: Likely benign. Last evaluated: 2019-10-23. Review status: criteria provided, single submitter. Criteria: GeneDx Variant Classification Process June 2021. Collection method: clinical testing. Allele origin: germline. Affected: yes. Not counted in ClinVar's aggregate classification.
Comment: This variant is associated with the following publications: (PMID: 21165771)

Quest Diagnostics Nichols Institute San Juan Capistrano
Classification: Likely benign. Last evaluated: 2019-09-21. Review status: criteria provided, single submitter. Criteria: Quest Diagnostics criteria. Collection method: clinical testing. Allele origin: unknown. Not counted in ClinVar's aggregate classification.

Color Diagnostics, LLC DBA Color Health
Classification: Likely benign for Hereditary cancer-predisposing syndrome. Last evaluated: 2017-02-14. Review status: criteria provided, single submitter. Criteria: ACMG Guidelines, 2015. Collection method: clinical testing. Allele origin: germline. Not counted in ClinVar's aggregate classification.

Ambry Genetics
Classification: Likely benign for Hereditary cancer-predisposing syndrome. Last evaluated: 2015-09-02. Review status: criteria provided, single submitter. Criteria: Ambry Variant Classification Scheme 2023. Collection method: clinical testing. Allele origin: germline. Not counted in ClinVar's aggregate classification.

NM_007294.4(BRCA1):c.2757T>C (p.Pro919=)

Gene: BRCA1 (BRCA1 DNA repair associated; minus strand). Cytogenetic location: 17q21.31.
Variant type: single nucleotide variant.
Coding change: c.2757T>C on transcript NM_007294.4 (MANE Select); coding-DNA position 2757, T replaced by C.
Protein change: p.Pro919=; no amino-acid change (proline 919 retained).
Molecular consequence: synonymous variant. On other transcripts: intron variant (137).
Genome position (GRCh38, 1-based): chr17:43,092,774, A>G on the plus strand (T>C on the coding strand, the complement: BRCA1 is on the minus strand). VCF-style: chr17-43092774-A-G. GRCh37 (hg19) VCF-style: chr17-41244791-A-G.
Other names: c.2544T>C, p.Pro848= (NM_001407571.1, NM_001407853.1, NM_001407894.1 and 9 more transcripts); c.2757T>C, p.Pro919= (NM_001407581.1, NM_001407582.1, NM_001407583.1 and 30 more transcripts); c.2754T>C, p.Pro918= (NM_001407587.1, NM_001407590.1, NM_001407591.1 and 22 more transcripts); c.2748T>C, p.Pro916= (NM_001407646.1, NM_001407647.1); c.2634T>C, p.Pro878= (NM_001407648.1, NM_001407664.1, NM_001407665.1 and 19 more transcripts); c.2631T>C, p.Pro877= (NM_001407649.1, NM_001407670.1, NM_001407671.1 and 11 more transcripts); c.2679T>C, p.Pro893= (NM_001407653.1, NM_001407654.1, NM_001407655.1 and 4 more transcripts); c.2676T>C, p.Pro892= (NM_001407659.1, NM_001407660.1, NM_001407661.1 and 1 more transcripts); and 41 more.
Identifiers: ClinVar variation 233831 (VCV000233831.25), dbSNP rs755516286, ClinGen allele CA058342.